The following is an entry in ClinVar:

NM_015102.5(NPHP4):c.2811C>T (p.Ser937=)

Gene: NPHP4 (nephrocystin 4; minus strand). Cytogenetic location: 1p36.31.
Variant type: single nucleotide variant.
Coding change: c.2811C>T on transcript NM_015102.5 (MANE Select); coding-DNA position 2811, C replaced by T.
Protein change: p.Ser937=; no amino-acid change (serine 937 retained).
Molecular consequence: synonymous variant. On other transcripts: non-coding transcript variant (1).
Genome position (GRCh38, 1-based): chr1:5,877,099, G>A on the plus strand (C>T on the coding strand, the complement: NPHP4 is on the minus strand). VCF-style: chr1-5877099-G-A. GRCh37 (hg19) VCF-style: chr1-5937159-G-A.
Other names: c.1272C>T, p.Ser424= (NM_001291593.2); c.1275C>T, p.Ser425= (NM_001291594.2).
Identifiers: ClinVar variation 593826 (VCV000593826.17), dbSNP rs758757125, ClinGen allele CA553926.

ClinVar aggregate classification (germline): Conflicting classifications of pathogenicity. Review status: criteria provided, conflicting classifications (1 of 4 stars). 4 submissions from 4 submitters: Uncertain significance (1); Likely benign (2). 1 of the submissions does not count toward it. Last evaluated 2025-10-21.

Conditions:
NPHP4-related disorder. Also called: NPHP4-related disorders; NPHP4-related condition. Identifiers: MedGen CN239384.
Nephronophthisis. Also called: Juvenile Nephronophthisis. Identifiers: Orphanet 655, MedGen C0687120, MONDO:0019005, HP:0000090.

Allele frequency attached by ClinVar (database versions not stated): ExAC 0.00008; gnomAD exomes 0.00014; gnomAD 0.00031 and 0.00034; TOPMed 0.00041.
gnomAD v4.1: 134 of 1,564,666 alleles (0.0086%); highest among the groups gnomAD compares: Admixed American, 0.14%; no homozygotes.

Submissions (4):

Labcorp Genetics (formerly Invitae), Labcorp
Classification: Likely benign for Nephronophthisis. Last evaluated: 2025-10-21. Review status: criteria provided, single submitter. Criteria: Invitae Variant Classification Sherloc (09022015). Collection method: clinical testing. Allele origin: germline.

Blueprint Genetics
Classification: Likely benign. Last evaluated: 2024-01-10. Review status: criteria provided, single submitter. Criteria: ACMG Guidelines, 2015. Collection method: clinical testing. Allele origin: germline.

Eurofins Ntd Llc (ga)
Classification: Uncertain significance. Last evaluated: 2017-08-25. Review status: criteria provided, single submitter. Criteria: EGL Classification Definitions 2015. Collection method: clinical testing. Allele origin: germline. Observed: 1 variant allele, 1 heterozygote.

PreventionGenetics, part of Exact Sciences
Classification: Likely benign for NPHP4-related condition. Last evaluated: 2021-12-01. Review status: no assertion criteria provided. Collection method: clinical testing. Allele origin: germline. Not counted in ClinVar's aggregate classification.
Comment: This variant is classified as likely benign based on ACMG/AMP sequence variant interpretation guidelines (Richards et al. 2015 PMID: 25741868, with internal and published modifications).